The following is an entry in ClinVar:

NM_002764.4(PRPS1):c.319A>G (p.Ile107Val)

Gene: PRPS1 (phosphoribosyl pyrophosphate synthetase 1; plus strand). Cytogenetic location: Xq22.3.
Variant type: single nucleotide variant.
Coding change: c.319A>G on transcript NM_002764.4 (MANE Select); coding-DNA position 319, A replaced by G.
Protein change: p.Ile107Val; replaces isoleucine 107 with valine.
Molecular consequence: missense variant. On other transcripts: intron variant (1).
Genome position (GRCh38, 1-based): chrX:107,640,914, A>G. VCF-style: chrX-107640914-A-G. GRCh37 (hg19) VCF-style: chrX-106884144-A-G.
Other names: c.-82-4263A>G (NM_001204402.2); short protein forms I107V.
Identifiers: ClinVar variation 245728 (VCV000245728.14), dbSNP rs879253919, ClinGen allele CA10584629.

ClinVar aggregate classification (germline): Likely pathogenic. Review status: criteria provided, multiple submitters, no conflicts (2 of 4 stars). 3 submissions from 3 submitters: Likely pathogenic (3). Last evaluated 2025-04-11.

Conditions:
Charcot-Marie-Tooth Neuropathy X. Identifiers: MedGen CN118851.
Arts syndrome (ARTS). Also called: MENTAL RETARDATION, X-LINKED, SYNDROMIC 18; MENTAL RETARDATION, X-LINKED, SYNDROMIC, ARTS TYPE; ARTS SYNDROME AND PHOSPHORIBOSYLPYROPHOSPHATE SYNTHETASE SUPERACTIVITY. Identifiers: Orphanet 1187, MedGen C0796028, MONDO:0010533, OMIM 301835.
Charcot-Marie-Tooth disease X-linked recessive 5 (CMTX5). Also called: Charcot-Marie-Tooth Neuropathy X Type 5 (CMTX5); Optic atrophy, neural deafness, and distal neurogenic amyotrophy; OPTIC ATROPHY, POLYNEUROPATHY, AND DEAFNESS; ROSENBERG-CHUTORIAN SYNDROME. Identifiers: Orphanet 99014, MedGen C1839566, MONDO:0010699, OMIM 311070.

Submissions (3):

Labcorp Genetics (formerly Invitae), Labcorp
Classification: Likely pathogenic for Charcot-Marie-Tooth Neuropathy X. Last evaluated: 2025-04-11. Review status: criteria provided, single submitter. Criteria: Invitae Variant Classification Sherloc (09022015). Collection method: clinical testing. Allele origin: germline.
Comment: This sequence change replaces isoleucine, which is neutral and non-polar, with valine, which is neutral and non-polar, at codon 107 of the PRPS1 protein (p.Ile107Val). This variant is not present in population databases (gnomAD no frequency). This missense change has been observed in individuals with clinical features of Charcot-Marie-Tooth disease (PMID: 30177296; internal data). It has also been observed to segregate with disease in related individuals. ClinVar contains an entry for this variant (Variation ID: 245728). Invitae Evidence Modeling of protein sequence and biophysical properties (such as structural, functional, and spatial information, amino acid conservation, physicochemical variation, residue mobility, and thermodynamic stability) indicates that this missense variant is not expected to disrupt PRPS1 protein function with a negative predictive value of 80%. In summary, the currently available evidence indicates that the variant is pathogenic, but additional data are needed to prove that conclusively. Therefore, this variant has been classified as Likely Pathogenic.

Kariminejad - Najmabadi Pathology & Genetics Center
Classification: Likely pathogenic for Charcot-Marie-Tooth disease X-linked recessive 5; Arts syndrome. Last evaluated: 2024-01-06. Review status: criteria provided, single submitter. Criteria: ACMG Guidelines, 2015. Collection method: clinical testing. Allele origin: germline. Inheritance: X-linked inheritance. Affected: yes.
Comment: PM2,PM1,PP2,PP3(Moderate),PP5

GeneDx
Classification: Likely pathogenic. Last evaluated: 2022-01-31. Review status: criteria provided, single submitter. Criteria: GeneDx Variant Classification Process June 2021. Collection method: clinical testing. Allele origin: germline. Affected: yes.
Comment: Not observed at significant frequency in large population cohorts (gnomAD); In silico analysis supports that this missense variant does not alter protein structure/function; This variant is associated with the following publications: (PMID: 30177296, 31338985)

Literature cited by the submitters: PubMed 30177296 (cited by Labcorp Genetics (formerly Invitae), Labcorp).